The following is an entry in ClinVar:

NM_001349206.2(LPIN1):c.435_447del (p.Pro146fs)

Gene: LPIN1 (lipin 1; plus strand). Cytogenetic location: 2p25.1.
Variant type: Deletion.
Coding change: c.435_447del on transcript NM_001349206.2 (MANE Select); coding-DNA positions 435 to 447, 13 bases deleted (GCCGTCAAGCAGC).
Protein change: p.Pro146fs; shifts the reading frame from proline 146.
Molecular consequence: frameshift variant. On other transcripts: non-coding transcript variant (1).
Genome position (GRCh38, 1-based): chr2:11,771,518-11,771,530, GCCGTCAAGCAGC deleted; deleting any 13 consecutive bases within chr2:11,771,517-11,771,530 gives the same sequence; the c. name uses the placement nearest the transcript's 3' end. VCF-style (leftmost placement, unchanged base first): chr2-11771516-ACGCCGTCAAGCAG-A. GRCh37 (hg19) VCF-style: chr2-11911642-ACGCCGTCAAGCAG-A.
Other names: c.435_447del, p.Pro146fs (NM_001349201.2, NM_001349202.2, NM_001349203.2 and 5 more transcripts); c.525_537del, p.Pro176fs (NM_001349207.2); c.582_594del, p.Pro195fs (NM_001349208.2, NM_001261428.3); c.453_465del, p.Pro152fs (NM_001261427.3); short protein forms P195fs, P152fs, P176fs, P146fs.
Identifiers: ClinVar variation 5006058 (VCV005006058.2).

ClinVar aggregate classification (germline): Likely pathogenic (1 of 4 stars; one submission).

Conditions:
Myoglobinuria, acute recurrent, autosomal recessive. Also called: RHABDOMYOLYSIS, ACUTE RECURRENT; MYOGLOBINURIA, FAMILIAL PAROXYSMAL PARALYTIC; Myoglobinuria, recurrent, autosomal recessive. Identifiers: Orphanet 99845, MedGen C1849386, MONDO:0009992, OMIM 268200.

Submission:

Juno Genomics, Hangzhou Juno Genomics, Inc
Classification: Likely pathogenic for Myoglobinuria, acute recurrent, autosomal recessive. Review status: criteria provided, single submitter. Criteria: ACMG Guidelines, 2015. Collection method: clinical testing. Allele origin: germline.
Comment: Null variant in a gene where loss of function (LOF) is a known mechanism of disease.;Absent from controls (or at extremely low frequency if recessive) in Genome Aggregation Database.